The following is an entry in ClinVar:

ClinVar aggregate classification (germline): Uncertain significance. Review status: criteria provided, multiple submitters, no conflicts (2 of 4 stars). 4 submissions from 4 submitters: Uncertain significance (4). Last evaluated 2024-09-02.

Conditions:
Inborn genetic diseases. Identifiers: MedGen C0950123, MeSH D030342.
Familial hemophagocytic lymphohistiocytosis 2 (FHL2). Also called: PRF1-Related Familial Hemophagocytic Lymphohistiocytosis (PRF1-fHLH). Identifiers: Orphanet 540, MedGen C1863727, MONDO:0011337, OMIM 603553.
Lymphoma, non-Hodgkin, familial. Identifiers: MedGen C4721532, MONDO:0011508, OMIM 605027.
Aplastic anemia. Identifiers: Orphanet 182040, Orphanet 88, MedGen C0002874, MONDO:0015909, OMIM 609135, HP:0001915.

Allele frequency attached by ClinVar (database versions not stated): gnomAD 0.00001; gnomAD exomes 0.00001; TOPMed 0.00001.

Submissions (4):

Ambry Genetics
Classification: Uncertain significance for Inborn genetic diseases. Last evaluated: 2024-09-02. Review status: criteria provided, single submitter. Criteria: Ambry Variant Classification Scheme 2023. Collection method: clinical testing. Allele origin: germline.

Labcorp Genetics (formerly Invitae), Labcorp
Classification: Uncertain significance for Familial hemophagocytic lymphohistiocytosis 2. Last evaluated: 2022-09-07. Review status: criteria provided, single submitter. Criteria: Invitae Variant Classification Sherloc (09022015). Collection method: clinical testing. Allele origin: germline.
Comment: This sequence change replaces glutamine, which is neutral and polar, with arginine, which is basic and polar, at codon 366 of the PRF1 protein (p.Gln366Arg). This variant is present in population databases (no rsID available, gnomAD 0.003%). This variant has not been reported in the literature in individuals affected with PRF1-related conditions. ClinVar contains an entry for this variant (Variation ID: 802581). Algorithms developed to predict the effect of missense changes on protein structure and function (SIFT, PolyPhen-2, Align-GVGD) all suggest that this variant is likely to be tolerated. In summary, the available evidence is currently insufficient to determine the role of this variant in disease. Therefore, it has been classified as a Variant of Uncertain Significance.

Fulgent Genetics
Classification: Uncertain significance for Familial hemophagocytic lymphohistiocytosis 2; Lymphoma, non-Hodgkin, familial; Aplastic anemia. Last evaluated: 2022-01-03. Review status: criteria provided, single submitter. Criteria: ACMG Guidelines, 2015. Collection method: clinical testing. Allele origin: unknown.

Mendelics
Classification: Uncertain significance for Familial hemophagocytic lymphohistiocytosis 2. Last evaluated: 2019-05-28. Review status: criteria provided, single submitter. Criteria: Mendelics Assertion Criteria 2017. Collection method: clinical testing. Allele origin: unknown.

NM_001083116.3(PRF1):c.1097A>G (p.Gln366Arg)

Gene: PRF1 (perforin 1; minus strand). Cytogenetic location: 10q22.1.
Variant type: single nucleotide variant.
Coding change: c.1097A>G on transcript NM_001083116.3 (MANE Select); coding-DNA position 1097, A replaced by G.
Protein change: p.Gln366Arg; replaces glutamine 366 with arginine.
Molecular consequence: missense variant.
Genome position (GRCh38, 1-based): chr10:70,598,624, T>C on the plus strand (A>G on the coding strand, the complement: PRF1 is on the minus strand). VCF-style: chr10-70598624-T-C. GRCh37 (hg19) VCF-style: chr10-72358380-T-C.
Other names: c.1097A>G, p.Gln366Arg (NM_005041.6); c.1097A>G (NM_001083116.1); short protein forms Q366R.
Identifiers: ClinVar variation 802581 (VCV000802581.10), dbSNP rs957245579, ClinGen allele CA209367266.
Genomic context (GRCh38, chr10:70,598,624, plus strand): 5'-TGCCGCCCTGGTGGGCACGGCCGGCTGCAGTCCCTCCAGCGAGCCCTGTCCGTCAGGTAC[T>C]GACTCAGGGCCCTCCTCAGTGCCTCCCGCCGCGGGTCCTGGCTGTCCAGCAGCACGTGCA-3'
Protein context (NP_001076585.1, residues 356-376): RREALRRALS[Gln366Arg]YLTDRARWRD